The following is an entry in ClinVar:

NM_001164508.2(NEB):c.24830C>A (p.Pro8277His)

Genes: NEB (nebulin; minus strand), RIF1 (replication timing regulatory factor 1; plus strand). Cytogenetic location: 2q23.3.
Variant type: single nucleotide variant.
Coding change: c.24830C>A on transcript NM_001164508.2 (MANE Select); coding-DNA position 24830, C replaced by A.
Protein change: p.Pro8277His; replaces proline 8277 with histidine.
Molecular consequence: missense variant.
Genome position (GRCh38, 1-based): chr2:151,492,430, G>T on the plus strand (C>A on the coding strand, the complement: NEB is on the minus strand). VCF-style: chr2-151492430-G-T. GRCh37 (hg19) VCF-style: chr2-152348944-G-T.
Other names: c.24830C>A, p.Pro8277His (NM_001164507.2); c.24935C>A, p.Pro8312His (NM_001271208.2); c.19262C>A, p.Pro6421His (NM_004543.5); short protein forms P6421H, P8277H, P8312H.
Identifiers: ClinVar variation 1525736 (VCV001525736.8), dbSNP rs2152828148, ClinGen allele CA348774203.

ClinVar aggregate classification (germline): Uncertain significance (1 of 4 stars; one submission).

Conditions:
Nemaline myopathy 2 (NEM2). Also called: Nemaline myopathy 2, autosomal recessive. Identifiers: MedGen C1850569, MONDO:0009725, OMIM 256030.

Submission:

Labcorp Genetics (formerly Invitae), Labcorp
Classification: Uncertain significance for Nemaline myopathy 2. Last evaluated: 2022-07-05. Review status: criteria provided, single submitter. Criteria: Invitae Variant Classification Sherloc (09022015). Collection method: clinical testing. Allele origin: germline.
Comment: In summary, the available evidence is currently insufficient to determine the role of this variant in disease. Therefore, it has been classified as a Variant of Uncertain Significance. Algorithms developed to predict the effect of missense changes on protein structure and function are either unavailable or do not agree on the potential impact of this missense change (SIFT: "Deleterious"; PolyPhen-2: "Not Available"; Align-GVGD: "Class C0"). ClinVar contains an entry for this variant (Variation ID: 1525736). This variant has not been reported in the literature in individuals affected with NEB-related conditions. This variant is not present in population databases (gnomAD no frequency). This sequence change replaces proline, which is neutral and non-polar, with histidine, which is basic and polar, at codon 8312 of the NEB protein (p.Pro8312His).